The following is an entry in ClinVar:

NM_005751.5(AKAP9):c.7169T>C (p.Val2390Ala)

Gene: AKAP9 (A-kinase anchoring protein 9; plus strand). Cytogenetic location: 7q21.2.
Variant type: single nucleotide variant.
Coding change: c.7169T>C on transcript NM_005751.5 (MANE Select); coding-DNA position 7169, T replaced by C.
Protein change: p.Val2390Ala; replaces valine 2390 with alanine.
Molecular consequence: missense variant.
Genome position (GRCh38, 1-based): chr7:92,079,302, T>C. VCF-style: chr7-92079302-T-C. GRCh37 (hg19) VCF-style: chr7-91708616-T-C.
Other names: c.1814T>C, p.Val605Ala (NM_001379277.1); c.7145T>C, p.Val2382Ala (NM_147185.3); short protein forms V2390A, V2382A, V605A.
Identifiers: ClinVar variation 1757459 (VCV001757459.8), dbSNP rs1813126987, ClinGen allele CA368135125.

ClinVar aggregate classification (germline): Uncertain significance. Review status: criteria provided, multiple submitters, no conflicts (2 of 4 stars). 2 submissions from 2 submitters: Uncertain significance (2). Last evaluated 2022-03-25.

Conditions:
Long QT syndrome (LQTS). Identifiers: MedGen C0023976, MeSH D008133, MONDO:0002442. Disease mechanism: loss of function. Inheritance: Various modes of inheritance.
Cardiovascular phenotype. Identifiers: MedGen CN230736.

Allele frequency attached by ClinVar (database versions not stated): TOPMed below 0.00001.

Submissions (2):

Ambry Genetics
Classification: Uncertain significance for Cardiovascular phenotype. Last evaluated: 2022-03-25. Review status: criteria provided, single submitter. Criteria: Ambry Variant Classification Scheme 2023. Collection method: clinical testing. Allele origin: germline.
Comment: The p.V2390A variant (also known as c.7169T>C), located in coding exon 31 of the AKAP9 gene, results from a T to C substitution at nucleotide position 7169. The valine at codon 2390 is replaced by alanine, an amino acid with similar properties. This amino acid position is conserved. In addition, this alteration is predicted to be tolerated by in silico analysis. The evidence for this gene-disease relationship is limited; therefore, the clinical significance of this alteration is unclear.

Labcorp Genetics (formerly Invitae), Labcorp
Classification: Uncertain significance for Long QT syndrome. Last evaluated: 2021-12-07. Review status: criteria provided, single submitter. Criteria: Invitae Variant Classification Sherloc (09022015). Collection method: clinical testing. Allele origin: germline.
Comment: This sequence change replaces valine, which is neutral and non-polar, with alanine, which is neutral and non-polar, at codon 2390 of the AKAP9 protein (p.Val2390Ala). This variant is not present in population databases (gnomAD no frequency). This variant has not been reported in the literature in individuals affected with AKAP9-related conditions. Algorithms developed to predict the effect of missense changes on protein structure and function output the following: SIFT: "Tolerated"; PolyPhen-2: "Benign"; Align-GVGD: "Class C0". The alanine amino acid residue is found in multiple mammalian species, which suggests that this missense change does not adversely affect protein function. In summary, the available evidence is currently insufficient to determine the role of this variant in disease. Therefore, it has been classified as a Variant of Uncertain Significance.